The following is an entry in ClinVar:

ClinVar aggregate classification (germline): Conflicting classifications of pathogenicity. Review status: criteria provided, conflicting classifications (1 of 4 stars). 6 submissions from 5 submitters: Uncertain significance (2); Benign (1); Likely benign (3). Last evaluated 2025-07-04.

Conditions:
Autosomal recessive ataxia, Beauce type. Also called: SYNE1 Deficiency; ATAXIA, RECESSIVE, OF BEAUCE; SYNE1-Related Autosomal Recessive Cerebellar Ataxia; Spinocerebellar ataxia, autosomal recessive 8. Identifiers: Orphanet 88644, MedGen C1853116, MONDO:0012549, OMIM 610743.
Emery-Dreifuss muscular dystrophy 4, autosomal dominant (EDMD4). Also called: EMERY-DREIFUSS MUSCULAR DYSTROPHY 4 WITH VARIABLE FEATURES. Identifiers: Orphanet 261, MedGen C2751807, MONDO:0013071, OMIM 612998.

Allele frequency attached by ClinVar (database versions not stated): ExAC 0.00005; gnomAD exomes 0.00009; gnomAD 0.00013 and 0.00014; TOPMed 0.00014; ESP Exome Variant Server 0.00023.
gnomAD v4.1: 120 of 1,614,002 alleles (0.0074%); highest among the groups gnomAD compares: Admixed American, 0.035%; no homozygotes.

Submissions (6):

Labcorp Genetics (formerly Invitae), Labcorp
Classification: Likely benign for Emery-Dreifuss muscular dystrophy 4, autosomal dominant; Autosomal recessive ataxia, Beauce type. Last evaluated: 2025-07-04. Review status: criteria provided, single submitter. Criteria: Invitae Variant Classification Sherloc (09022015). Collection method: clinical testing. Allele origin: germline.

CeGaT Center for Human Genetics Tuebingen
Classification: Likely benign. Last evaluated: 2023-10-01. Review status: criteria provided, single submitter. Criteria: CeGaT Center For Human Genetics Tuebingen Variant Classification Criteria Version 2. Collection method: clinical testing. Allele origin: germline. Affected: yes. Observed: 1 variant allele.
Comment: SYNE1: BP4, BP7

Blueprint Genetics
Classification: Likely benign. Last evaluated: 2022-09-08. Review status: criteria provided, single submitter. Criteria: ACMG Guidelines, 2015. Collection method: clinical testing. Allele origin: germline.

Illumina Laboratory Services, Illumina
Classification: Uncertain significance for Autosomal recessive ataxia, Beauce type. Last evaluated: 2018-01-13. Review status: criteria provided, single submitter. Criteria: ICSL Variant Classification Criteria 13 December 2019. Collection method: clinical testing. Allele origin: germline.

Illumina Laboratory Services, Illumina
Classification: Benign for Emery-Dreifuss muscular dystrophy 4, autosomal dominant. Last evaluated: 2018-01-13. Review status: criteria provided, single submitter. Criteria: ICSL Variant Classification Criteria 13 December 2019. Collection method: clinical testing. Allele origin: germline.
Comment: This variant was observed in the ICSL laboratory as part of a predisposition screen in an ostensibly healthy population. It had not been previously curated by ICSL or reported in the Human Gene Mutation Database (HGMD: prior to June 1st, 2018), and was therefore a candidate for classification through an automated scoring system. Utilizing variant allele frequency, disease prevalence and penetrance estimates, and inheritance mode, an automated score was calculated to assess if this variant is too frequent to cause the disease. Based on the score and internal cut-off values, a variant classified as benign is not then subjected to further curation. The score for this variant resulted in a classification of benign for this disease.

Eurofins Ntd Llc (ga)
Classification: Uncertain significance. Last evaluated: 2017-09-01. Review status: criteria provided, single submitter. Criteria: EGL Classification Definitions 2015. Collection method: clinical testing. Allele origin: germline. Observed: 1 variant allele, 1 heterozygote.

NM_182961.4(SYNE1):c.12615G>A (p.Ser4205=)

Gene: SYNE1 (spectrin repeat containing nuclear envelope protein 1; minus strand). Cytogenetic location: 6q25.2.
Variant type: single nucleotide variant.
Coding change: c.12615G>A on transcript NM_182961.4 (MANE Select); coding-DNA position 12615, G replaced by A.
Protein change: p.Ser4205=; no amino-acid change (serine 4205 retained).
Molecular consequence: synonymous variant.
Genome position (GRCh38, 1-based): chr6:152,334,187, C>T on the plus strand (G>A on the coding strand, the complement: SYNE1 is on the minus strand). VCF-style: chr6-152334187-C-T. GRCh37 (hg19) VCF-style: chr6-152655322-C-T.
Other names: c.12402G>A, p.Ser4134= (NM_033071.5).
Identifiers: ClinVar variation 355879 (VCV000355879.44), dbSNP rs138650597, ClinGen allele CA4056347.